The following is an entry in ClinVar:

ClinVar aggregate classification (germline): Uncertain significance (1 of 4 stars; one submission).

Conditions:
Severe early-onset pulmonary alveolar proteinosis due to MARS deficiency. Also called: PULMONARY ALVEOLAR PROTEINOSIS, REUNION ISLAND; Interstitial lung and liver disease. Identifiers: Orphanet 440427, MedGen C4225400, MONDO:0014206, OMIM 615486.
Charcot-Marie-Tooth disease axonal type 2U. Also called: CHARCOT-MARIE-TOOTH NEUROPATHY, TYPE 2U; CHARCOT-MARIE-TOOTH DISEASE, AXONAL, AUTOSOMAL DOMINANT, TYPE 2U. Identifiers: Orphanet 397735, MedGen C4084821, MONDO:0014566, OMIM 616280.

Allele frequency attached by ClinVar (database versions not stated): gnomAD exomes below 0.00001 and 0.00001; TOPMed 0.00001.
gnomAD v4.1: 18 of 1,614,234 alleles (0.0011%); highest among the groups gnomAD compares: Middle Eastern, 0.016%; no homozygotes.

Submission:

Labcorp Genetics (formerly Invitae), Labcorp
Classification: Uncertain significance for Charcot-Marie-Tooth disease axonal type 2U; Severe early-onset pulmonary alveolar proteinosis due to MARS deficiency. Last evaluated: 2024-10-03. Review status: criteria provided, single submitter. Criteria: Invitae Variant Classification Sherloc (09022015). Collection method: clinical testing. Allele origin: germline.
Comment: This sequence change replaces glutamine, which is neutral and polar, with proline, which is neutral and non-polar, at codon 330 of the MARS protein (p.Gln330Pro). This variant is not present in population databases (gnomAD no frequency). This variant has not been reported in the literature in individuals affected with MARS-related conditions. ClinVar contains an entry for this variant (Variation ID: 1681712). An algorithm developed to predict the effect of missense changes on protein structure and function (PolyPhen-2) suggests that this variant is likely to be disruptive. In summary, the available evidence is currently insufficient to determine the role of this variant in disease. Therefore, it has been classified as a Variant of Uncertain Significance.

NM_004990.4(MARS1):c.989A>C (p.Gln330Pro)

Gene: MARS1 (methionyl-tRNA synthetase 1; plus strand). Cytogenetic location: 12q13.3.
Variant type: single nucleotide variant.
Coding change: c.989A>C on transcript NM_004990.4 (MANE Select); coding-DNA position 989, A replaced by C.
Protein change: p.Gln330Pro; replaces glutamine 330 with proline.
Molecular consequence: missense variant.
Genome position (GRCh38, 1-based): chr12:57,498,521, A>C. VCF-style: chr12-57498521-A-C. GRCh37 (hg19) VCF-style: chr12-57892304-A-C.
Other names: short protein forms Q330P.
Identifiers: ClinVar variation 1681712 (VCV001681712.6), dbSNP rs747834192, ClinGen allele CA237757222.